The following is an entry in ClinVar:

ClinVar aggregate classification (germline): Uncertain significance (1 of 4 stars; one submission).

gnomAD v4.1: 1 of 1,611,354 alleles (0.000062%); highest among the groups gnomAD compares: East Asian, 0.0022%; no homozygotes.

Submission:

GeneDx
Classification: Uncertain significance. Last evaluated: 2023-12-22. Review status: criteria provided, single submitter. Criteria: GeneDx Variant Classification Process June 2021. Collection method: clinical testing. Allele origin: germline. Affected: yes.
Comment: Not observed at significant frequency in large population cohorts (gnomAD); In silico analysis supports that this missense variant does not alter protein structure/function; Has not been previously published as pathogenic or benign to our knowledge

NM_001384125.1(BLTP1):c.1925A>G (p.Gln642Arg)

Gene: BLTP1 (bridge-like lipid transfer protein family member 1; plus strand). Cytogenetic location: 4q27.
Variant type: single nucleotide variant.
Coding change: c.1925A>G on transcript NM_001384125.1 (MANE Select); coding-DNA position 1925, A replaced by G.
Protein change: p.Gln642Arg; replaces glutamine 642 with arginine.
Molecular consequence: missense variant.
Genome position (GRCh38, 1-based): chr4:122,209,331, A>G. VCF-style: chr4-122209331-A-G. GRCh37 (hg19) VCF-style: chr4-123130486-A-G.
Other names: c.1925A>G, p.Gln642Arg (NM_015312.4); short protein forms Q642R.
Identifiers: ClinVar variation 3370014 (VCV003370014.1).